The following is an entry in ClinVar:

ClinVar aggregate classification (germline): Pathogenic/Likely pathogenic. Review status: criteria provided, multiple submitters, no conflicts (2 of 4 stars). 2 submissions from 2 submitters: Pathogenic (1); Likely pathogenic (1). Last evaluated 2025-09-28.

Conditions:
Charlevoix-Saguenay spastic ataxia (SACS). Also called: Spastic ataxia of Charlevoix-Saguenay; SPASTIC ATAXIA 6, AUTOSOMAL RECESSIVE; AUTOSOMAL RECESSIVE SPASTIC ATAXIA OF CHARLEVOIX-SAGUENAY. Identifiers: Orphanet 98, MedGen C1849140, MONDO:0010041, OMIM 270550.

Submissions (2):

Natera, Inc.
Classification: Likely pathogenic for Charlevoix-Saguenay type spastic ataxia. Last evaluated: 2025-09-28. Review status: criteria provided, single submitter. Criteria: Natera Variant Classification Schema (03/2026). Collection method: clinical testing. Allele origin: germline.
Comment: The c.8239dup variant in SACS is a frameshift variant predicted to shift the reading frame beginning at codon 2747 and leads to a stop codon 5 codons downstream. This variant is expected to result in nonsense mediated decay, truncation, or a dysfunctional protein product. This variant is rare in the general population with a frequency below the threshold expected for the associated phenotype(s). Given the available evidence, this variant is classified as Likely Pathogenic.

Baylor Genetics
Classification: Pathogenic for Charlevoix-Saguenay spastic ataxia. Last evaluated: 2023-06-19. Review status: criteria provided, single submitter. Criteria: ACMG Guidelines, 2015. Collection method: clinical testing. Allele origin: unknown.

NM_014363.6(SACS):c.8239dup (p.Ile2747fs)

Gene: SACS (sacsin molecular chaperone; minus strand). Cytogenetic location: 13q12.12.
Variant type: Duplication.
Coding change: c.8239dup on transcript NM_014363.6 (MANE Select); coding-DNA position 8239, one base duplicated (A; older notation c.8239dupA).
Protein change: p.Ile2747fs; shifts the reading frame from isoleucine 2747.
Molecular consequence: frameshift variant.
Genome position (GRCh38, 1-based): chr13:23,335,637, T duplicated on the plus strand (A on the coding strand, the reverse complement: SACS is on the minus strand); the first of 6 consecutive T bases (chr13:23,335,637-23,335,642); duplicating any one gives the same sequence. VCF-style (leftmost placement, unchanged base first): chr13-23335636-A-AT. GRCh37 (hg19) VCF-style: chr13-23909775-A-AT.
Other names: c.7798dup, p.Ile2600fs (NM_001278055.2); c.8239dup (NM_014363.5); short protein forms I2600fs, I2747fs.
Identifiers: ClinVar variation 2678531 (VCV002678531.2), dbSNP rs779248938, ClinGen allele CA387517069.
Genomic context (GRCh38, chr13:23,335,636, plus strand): 5'-CCCTTTACTGAATACAGCACATTTAGAGCTCCAGTACTCTTATCTATTTCACAAATAGAA[A>AT]TTTTTTCCATGTGATTAAGAAACATTAGAAGTTCTGCCCCATCTGAGCGCAGTTTGTCCA-3'